The following is an entry in ClinVar:

ClinVar aggregate classification (germline): Likely benign (1 of 4 stars; one submission).

gnomAD v4.1: 58 of 1,613,946 alleles (0.0036%); highest among the groups gnomAD compares: Middle Eastern, 0.016%; no homozygotes.

Submission:

CeGaT Center for Human Genetics Tuebingen
Classification: Likely benign. Last evaluated: 2024-12-01. Review status: criteria provided, single submitter. Criteria: CeGaT Center For Human Genetics Tuebingen Variant Classification Criteria Version 2. Collection method: clinical testing. Allele origin: germline. Affected: yes. Observed: 1 variant allele.
Comment: FMN2: BP4, BP7

NM_020066.5(FMN2):c.2328A>T (p.Gly776=)

Gene: FMN2 (formin 2; plus strand). Cytogenetic location: 1q43.
Variant type: single nucleotide variant.
Coding change: c.2328A>T on transcript NM_020066.5 (MANE Select); coding-DNA position 2328, A replaced by T.
Protein change: p.Gly776=; no amino-acid change (glycine 776 retained).
Molecular consequence: synonymous variant. On other transcripts: intron variant (1).
Genome position (GRCh38, 1-based): chr1:240,207,140, A>T. VCF-style: chr1-240207140-A-T. GRCh37 (hg19) VCF-style: chr1-240370440-A-T.
Other names: c.2340A>T, p.Gly780= (NM_001305424.2); c.1986+18878A>T (NM_001348094.2).
Identifiers: ClinVar variation 3771644 (VCV003771644.13).